The following is an entry in ClinVar:

ClinVar aggregate classification (germline): Uncertain significance. Review status: criteria provided, multiple submitters, no conflicts (2 of 4 stars). 3 submissions from 3 submitters: Uncertain significance (3). Last evaluated 2022-03-09.

Conditions:
Methylmalonic aciduria due to methylmalonyl-CoA mutase deficiency (MAMM). Also called: Methylmalonic aciduria, mut type. Identifiers: Orphanet 27, MedGen C1855114, MONDO:0009612, OMIM 251000.

Allele frequency attached by ClinVar (database versions not stated): gnomAD exomes 0.00001; TOPMed 0.00001; ExAC 0.00002.
gnomAD v4.1: 11 of 1,612,426 alleles (0.00068%); highest among the groups gnomAD compares: Middle Eastern, 0.016%; no homozygotes.

Submissions (3):

Fulgent Genetics
Classification: Uncertain significance for Methylmalonic aciduria due to methylmalonyl-CoA mutase deficiency. Last evaluated: 2022-03-09. Review status: criteria provided, single submitter. Criteria: ACMG Guidelines, 2015. Collection method: clinical testing. Allele origin: unknown.

Labcorp Genetics (formerly Invitae), Labcorp
Classification: Uncertain significance. Last evaluated: 2022-02-01. Review status: criteria provided, single submitter. Criteria: Invitae Variant Classification Sherloc (09022015). Collection method: clinical testing. Allele origin: germline.
Comment: This sequence change replaces valine, which is neutral and non-polar, with methionine, which is neutral and non-polar, at codon 167 of the MUT protein (p.Val167Met). This variant is present in population databases (rs755709278, gnomAD 0.002%). This variant has not been reported in the literature in individuals affected with MUT-related conditions. ClinVar contains an entry for this variant (Variation ID: 909696). Algorithms developed to predict the effect of missense changes on protein structure and function are either unavailable or do not agree on the potential impact of this missense change (SIFT: "Deleterious"; PolyPhen-2: "Probably Damaging"; Align-GVGD: "Class C0"). In summary, the available evidence is currently insufficient to determine the role of this variant in disease. Therefore, it has been classified as a Variant of Uncertain Significance.

Illumina Laboratory Services, Illumina
Classification: Uncertain significance for Methylmalonic aciduria due to methylmalonyl-CoA mutase deficiency. Last evaluated: 2018-01-13. Review status: criteria provided, single submitter. Criteria: ICSL Variant Classification Criteria 13 December 2019. Collection method: clinical testing. Allele origin: germline.

NM_000255.4(MMUT):c.499G>A (p.Val167Met)

Gene: MMUT (methylmalonyl-CoA mutase; minus strand). Cytogenetic location: 6p12.3.
Variant type: single nucleotide variant.
Coding change: c.499G>A on transcript NM_000255.4 (MANE Select); coding-DNA position 499, G replaced by A.
Protein change: p.Val167Met; replaces valine 167 with methionine.
Molecular consequence: missense variant.
Genome position (GRCh38, 1-based): chr6:49,457,945, C>T on the plus strand (G>A on the coding strand, the complement: MMUT is on the minus strand). VCF-style: chr6-49457945-C-T. GRCh37 (hg19) VCF-style: chr6-49425658-C-T.
Other names: short protein forms V167M.
Identifiers: ClinVar variation 909696 (VCV000909696.6), dbSNP rs755709278, ClinGen allele CA3847100.
Genomic context (GRCh38, chr6:49,457,945, plus strand): 5'-TCATGGAAACTGACATTTTTTCTAAAGGAATTCCATCAAAAAGAATTTTGGTATCTTCCA[C>T]AGTGTCAATAGCAACTCCAGCCATTCCAACATCACCACGAACTCGAGGGTTGTCTGAATC-3'
Protein context (NP_000246.2, residues 157-177): VGMAGVAIDT[Val167Met]EDTKILFDGI